The following is an entry in ClinVar:

NM_001130438.3(SPTAN1):c.4905+19C>T

Gene: SPTAN1 (spectrin alpha, non-erythrocytic 1; plus strand). Cytogenetic location: 9q34.11.
Variant type: single nucleotide variant.
Coding change: c.4905+19C>T on transcript NM_001130438.3 (MANE Select); 19 bases into the intron after coding-DNA position 4905, C replaced by T.
Molecular consequence: intron variant.
Genome position (GRCh38, 1-based): chr9:128,611,864, C>T. VCF-style: chr9-128611864-C-T. GRCh37 (hg19) VCF-style: chr9-131374143-C-T.
Other names: c.4905+19C>T (NM_001363759.2); c.4890+19C>T (NM_003127.4); c.4845+19C>T (NM_001363765.2); c.4830+19C>T (NM_001195532.2).
Identifiers: ClinVar variation 507043 (VCV000507043.10), dbSNP rs140922514, ClinGen allele CA5265323.

ClinVar aggregate classification (germline): Likely benign. Review status: criteria provided, multiple submitters, no conflicts (2 of 4 stars). 2 submissions from 2 submitters: Likely benign (2). Last evaluated 2026-01-13.

Conditions:
Early-infantile DEE. Also called: Early infantile epileptic encephalopathy with suppression bursts; Early infantile epileptic encephalopathy; Ohtahara syndrome. Identifiers: Orphanet 1934, MedGen C0393706, MONDO:0800491.

Allele frequency attached by ClinVar (database versions not stated): ExAC 0.00009; gnomAD exomes 0.00010; gnomAD 0.00017 and 0.00018; TOPMed 0.00020; ESP Exome Variant Server 0.00031; 1000 Genomes Project 30x 0.00047; 1000 Genomes Project 0.00060.
gnomAD v4.1: 162 of 1,614,050 alleles (0.01%); highest among the groups gnomAD compares: African/African-American, 0.052%; no homozygotes.

Submissions (2):

Labcorp Genetics (formerly Invitae), Labcorp
Classification: Likely benign for Early-infantile DEE. Last evaluated: 2026-01-13. Review status: criteria provided, single submitter. Criteria: Invitae Variant Classification Sherloc (09022015). Collection method: clinical testing. Allele origin: germline.

GeneDx
Classification: Likely benign. Last evaluated: 2017-02-10. Review status: criteria provided, single submitter. Criteria: GeneDx Variant Classification (06012015). Collection method: clinical testing. Allele origin: germline. Affected: yes.
Comment: This variant is considered likely benign or benign based on one or more of the following criteria: it is a conservative change, it occurs at a poorly conserved position in the protein, it is predicted to be benign by multiple in silico algorithms, and/or has population frequency not consistent with disease.